The following is an entry in ClinVar:

NM_198904.4(GABRG2):c.428G>A (p.Gly143Glu)

Gene: GABRG2 (gamma-aminobutyric acid type A receptor subunit gamma2; plus strand). Cytogenetic location: 5q34.
Variant type: single nucleotide variant.
Coding change: c.428G>A on transcript NM_198904.4 (MANE Select); coding-DNA position 428, G replaced by A.
Protein change: p.Gly143Glu; replaces glycine 143 with glutamic acid.
Molecular consequence: missense variant.
Genome position (GRCh38, 1-based): chr5:162,097,738, G>A. VCF-style: chr5-162097738-G-A. GRCh37 (hg19) VCF-style: chr5-161524744-G-A.
Other names: c.428G>A, p.Gly143Glu (NM_000816.3, NM_001375340.1, NM_001375341.1 and 4 more transcripts); c.419G>A, p.Gly140Glu (NM_001375339.1); c.362G>A, p.Gly121Glu (NM_001375345.1, NM_001375346.1); c.341G>A, p.Gly114Glu (NM_001375347.1); c.8G>A, p.Gly3Glu (NM_001375348.1, NM_001375350.1); c.143G>A, p.Gly48Glu (NM_001375349.1); short protein forms G114E, G121E, G140E, G143E, G3E, G48E.
Identifiers: ClinVar variation 1098653 (VCV001098653.1), dbSNP rs747372679, ClinGen allele CA3544732.

ClinVar aggregate classification (germline): Uncertain significance (1 of 4 stars; one submission).

Conditions:
EPILEPSY, CHILDHOOD ABSENCE, SUSCEPTIBILITY TO, 2 (ECA2). Identifiers: Orphanet 64280, MedGen C1843244, OMIM 607681.

Allele frequency attached by ClinVar (database versions not stated): gnomAD exomes below 0.00001; ExAC 0.00001.

Submission:

New York Genome Center
Classification: Uncertain significance for Febrile seizures, familial, 8. Last evaluated: 2020-05-06. Review status: criteria provided, single submitter. Criteria: NYGC Assertion Criteria 2020. Collection method: clinical testing. Allele origin: inherited. Observed: 1 heterozygote. Study: CSER-NYCKidSeq.
Comment: The inherited c.428G>A (p.Gly143Glu)variant identified in the GABRG2 gene substitutes a very well conserved Glycine for Glutamic Acid at amino acid 143/476 (coding exon 4/10). This variant is absent from gnomAD(v3.0) suggesting it is not a common benign variant in the populations represented in that database. In silico algorithms predict this variant to be Deleterious (Provean; score:-2.79) and Damaging (SIFT; score:0.012) to the function of the canonical transcript. The p.Gly143 residue is not within a mapped domain of GABRG3 (UniProtKB:P18507), but present in the N-terminal extracellular region of the protein where other missense variants have been described in individuals with GABRG2-associated epilepsy phenotypes [PMID:27066572; PMID:27367160]. This variant is absent from ClinVar and to our current knowledge has not been reported in affected individuals in the literature. Given the lack of compelling evidence for its pathogenicity, the inherited c.428G>A (p.Gly143Glu) variant identified in the GABRG2 gene is reported here as a Variant of Uncertain Significance.